The following is an entry in ClinVar:

NM_018713.3(SLC30A10):c.1031A>G (p.Lys344Arg)

Gene: SLC30A10 (solute carrier family 30 member 10; minus strand). Cytogenetic location: 1q41.
Variant type: single nucleotide variant.
Coding change: c.1031A>G on transcript NM_018713.3 (MANE Select); coding-DNA position 1031, A replaced by G.
Protein change: p.Lys344Arg; replaces lysine 344 with arginine.
Molecular consequence: missense variant. On other transcripts: non-coding transcript variant (2).
Genome position (GRCh38, 1-based): chr1:219,915,876, T>C on the plus strand (A>G on the coding strand, the complement: SLC30A10 is on the minus strand). VCF-style: chr1-219915876-T-C. GRCh37 (hg19) VCF-style: chr1-220089218-T-C.
Other names: c.842A>G, p.Lys281Arg (NM_001376929.1); short protein forms K344R, K281R.
Identifiers: ClinVar variation 1486105 (VCV001486105.8), dbSNP rs1304113547, ClinGen allele CA344732318.

ClinVar aggregate classification (germline): Uncertain significance (1 of 4 stars; one submission).

Allele frequency attached by ClinVar (database versions not stated): gnomAD exomes below 0.00001 and 0.00001; TOPMed 0.00003.
gnomAD v4.1: 8 of 1,614,204 alleles (0.0005%); highest among the groups gnomAD compares: Admixed American, 0.0033%; no homozygotes.

Submission:

Labcorp Genetics (formerly Invitae), Labcorp
Classification: Uncertain significance. Last evaluated: 2024-10-23. Review status: criteria provided, single submitter. Criteria: Invitae Variant Classification Sherloc (09022015). Collection method: clinical testing. Allele origin: germline.
Comment: This sequence change replaces lysine, which is basic and polar, with arginine, which is basic and polar, at codon 344 of the SLC30A10 protein (p.Lys344Arg). This variant is present in population databases (no rsID available, gnomAD 0.006%). This variant has not been reported in the literature in individuals affected with SLC30A10-related conditions. ClinVar contains an entry for this variant (Variation ID: 1486105). Invitae Evidence Modeling of protein sequence and biophysical properties (such as structural, functional, and spatial information, amino acid conservation, physicochemical variation, residue mobility, and thermodynamic stability) indicates that this missense variant is not expected to disrupt SLC30A10 protein function with a negative predictive value of 80%. In summary, the available evidence is currently insufficient to determine the role of this variant in disease. Therefore, it has been classified as a Variant of Uncertain Significance.